The following is an entry in ClinVar:

NC_000006.11:g.(?_158532398)_(160114199_?)dup

Genes: FNDC1 (fibronectin type III domain containing 1; plus strand), DYNLT1 (dynein light chain Tctex-type 1; minus strand), EZR (ezrin; minus strand), GTF2H5 (general transcription factor IIH subunit 5; plus strand), LINC02901 (long intergenic non-protein coding RNA 2901; plus strand) and 7 more. Cytogenetic location: 6q25.3.
Variant type: Duplication.
Identifiers: ClinVar variation 1437902 (VCV001437902.4).

ClinVar aggregate classification (germline): Uncertain significance (1 of 4 stars; one submission).

Conditions:
Primary ciliary dyskinesia 32. Also called: CILIARY DYSKINESIA, PRIMARY, 32, WITHOUT SITUS INVERSUS. Identifiers: Orphanet 244, MedGen C4225311, MONDO:0014657, OMIM 616481.

Submission:

Labcorp Genetics (formerly Invitae), Labcorp
Classification: Uncertain significance for Primary ciliary dyskinesia 32. Last evaluated: 2021-05-03. Review status: criteria provided, single submitter. Criteria: Invitae Variant Classification Sherloc (09022015). Collection method: clinical testing. Allele origin: germline.
Comment: In summary, the available evidence is currently insufficient to determine the role of this variant in disease. Therefore, it has been classified as a Variant of Uncertain Significance. This variant has not been reported in the literature in individuals with RSPH3-related conditions. A copy number gain of the genomic region encompassing the full coding sequence of the RSPH3 gene has been identified. The boundaries of this event are unknown as they extend beyond the assayed region for this gene and therefore may encompass additional genes. As the precise location of this event is unknown, it may be in tandem or it may be located elsewhere in the genome.